The following is an entry in ClinVar:

ClinVar aggregate classification (germline): Uncertain significance (1 of 4 stars; one submission).

Conditions:
Cardiovascular phenotype. Identifiers: MedGen CN230736.

Submission:

Ambry Genetics
Classification: Uncertain significance for Cardiovascular phenotype. Last evaluated: 2025-08-19. Review status: criteria provided, single submitter. Criteria: Ambry Variant Classification Scheme 2023. Collection method: clinical testing. Allele origin: germline.
Comment: The p.D297N variant (also known as c.889G>A), located in coding exon 9 of the CASQ2 gene, results from a G to A substitution at nucleotide position 889. The aspartic acid at codon 297 is replaced by asparagine, an amino acid with highly similar properties. This amino acid position is conserved. In addition, this alteration is predicted to be tolerated by in silico analysis. Based on the available evidence, the clinical significance of this variant remains unclear.

NM_001232.4(CASQ2):c.889G>A (p.Asp297Asn)

Gene: CASQ2 (calsequestrin 2; minus strand). Cytogenetic location: 1p13.1.
Variant type: single nucleotide variant.
Coding change: c.889G>A on transcript NM_001232.4 (MANE Select); coding-DNA position 889, G replaced by A.
Protein change: p.Asp297Asn; replaces aspartic acid 297 with asparagine.
Molecular consequence: missense variant.
Genome position (GRCh38, 1-based): chr1:115,705,242, C>T on the plus strand (G>A on the coding strand, the complement: CASQ2 is on the minus strand). VCF-style: chr1-115705242-C-T. GRCh37 (hg19) VCF-style: chr1-116247863-C-T.
Other names: short protein forms D297N.
Identifiers: ClinVar variation 4219484 (VCV004219484.1).